The following is an entry in ClinVar:

NM_004168.4(SDHA):c.137A>T (p.Lys46Ile)

Gene: SDHA (succinate dehydrogenase complex flavoprotein subunit A; plus strand). Cytogenetic location: 5p15.33.
Variant type: single nucleotide variant.
Coding change: c.137A>T on transcript NM_004168.4 (MANE Select); coding-DNA position 137, A replaced by T.
Protein change: p.Lys46Ile; replaces lysine 46 with isoleucine.
Molecular consequence: missense variant.
Genome position (GRCh38, 1-based): chr5:223,555, A>T. VCF-style: chr5-223555-A-T. GRCh37 (hg19) VCF-style: chr5-223670-A-T.
Other names: c.137A>T, p.Lys46Ile (NM_001294332.2, NM_001330758.2); short protein forms K46I.
Identifiers: ClinVar variation 1771248 (VCV001771248.2), dbSNP rs2477280868, ClinGen allele CA359008279.

ClinVar aggregate classification (germline): Uncertain significance (1 of 4 stars; one submission).

Conditions:
Hereditary cancer-predisposing syndrome. Also called: Hereditary Cancer Syndrome; Hereditary neoplastic syndrome; Neoplastic Syndromes, Hereditary; Tumor predisposition. Identifiers: Orphanet 140162, MedGen C0027672, MeSH D009386, MONDO:0015356.

Submission:

Ambry Genetics
Classification: Uncertain significance for Hereditary cancer-predisposing syndrome. Last evaluated: 2022-01-21. Review status: criteria provided, single submitter. Criteria: Ambry Variant Classification Scheme 2023. Collection method: clinical testing. Allele origin: germline.
Comment: The p.K46I variant (also known as c.137A>T), located in coding exon 2 of the SDHA gene, results from an A to T substitution at nucleotide position 137. The lysine at codon 46 is replaced by isoleucine, an amino acid with dissimilar properties. This amino acid position is conserved. In addition, the in silico prediction for this alteration is inconclusive. Since supporting evidence is limited at this time, the clinical significance of this alteration remains unclear.